The following is an entry in ClinVar:

NM_004646.4(NPHS1):c.-489GA[7]

Genes: KIRREL2 (kirre like nephrin family adhesion molecule 2; plus strand), NPHS1 (NPHS1 adhesion molecule, nephrin; minus strand). Cytogenetic location: 19q13.12.
Variant type: Microsatellite.
Coding change: c.-489GA[7] on transcript NM_004646.4 (MANE Select); seven copies in a row of the 2-base unit GA starting at c.-489; the reference has 11 copies in a row; four copies, 8 bases deleted.
Molecular consequence: 5 prime UTR variant.
Genome position (GRCh38, 1-based): chr19:35,852,305-35,852,312, TCTCTCTC deleted on the plus strand (GAGAGAGA on the coding strand, the reverse complement: NPHS1 is on the minus strand); deleting any 8 consecutive bases within chr19:35,852,305-35,852,326 gives the same sequence; the position shown is the placement nearest the transcript's 3' end. VCF-style (leftmost placement, unchanged base first): chr19-35852304-GTCTCTCTC-G. GRCh37 (hg19) VCF-style: chr19-36343206-GTCTCTCTC-G.
Other names: c.-475_-468del (LRG_693t1); c.-475_-468delGAGAGAGA (NM_004646.3).
Identifiers: ClinVar variation 56416 (VCV000056416.5), dbSNP rs139954720, ClinGen allele CA250078.
Genomic context (GRCh38, chr19:35,852,304, plus strand): 5'-CTTTCTCTCCTTGTCTAAGCCGTTCTCTCTCCTTTTGTCTCTGTCTCTTCCTCTCTCTCT[GTCTCTCTC>G]TCTCTCTCTCTCTCAATCTCTATCTTCTCTCCTGCCACCCCTCACTCCTGCTCCTTGTCT-3'

ClinVar aggregate classification (germline): Likely benign. Review status: criteria provided, single submitter (1 of 4 stars). 3 submissions from 3 submitters: Likely benign (1). 2 of the submissions do not count toward it. Last evaluated 2024-11-28.

Conditions:
Finnish congenital nephrotic syndrome (NPHS1). Also called: NEPHROTIC SYNDROME, TYPE 1. Identifiers: Orphanet 839, MedGen C0403399, MONDO:0009732, OMIM 256300.

Submissions (3):

Blueprint Genetics
Classification: Likely benign. Last evaluated: 2024-11-28. Review status: criteria provided, single submitter. Criteria: ACMG Guidelines, 2015. Collection method: clinical testing. Allele origin: germline.

Reproductive Health Research and Development, BGI Genomics
Classification: Uncertain significance for Finnish congenital nephrotic syndrome. Last evaluated: 2020-01-06. Review status: no assertion criteria provided. Collection method: curation. Allele origin: germline. Not counted in ClinVar's aggregate classification.
Comment: LRG_693t1:c.-475_-468del has an allele frequency of 0.009 in European (non-Finnish) subpopulation in the gnomAD database. It has been detected in one individual with congenital nephrotic syndrome, known as 489(del(GA)4) (PMID: 9915943). We interpret it as variant of uncertain significance (VUS). ACMG/AMP criteria applied: PP4.

Juha Muilu Group; Institute for Molecular Medicine Finland (FIMM)
Classification: Likely pathogenic for Finnish congenital nephrotic syndrome. Review status: no assertion criteria provided. Collection method: not provided. Allele origin: unknown. Not counted in ClinVar's aggregate classification.
Comment: FinDis database variant: FinDis database variant: This variant was not found or characterized by our laboratory, data were collected from public sources: see reference
ClinVar note: Converted during submission from probable-pathogenic to Likely pathogenic.